The following is an entry in ClinVar:

NM_000254.3(MTR):c.661C>G (p.Pro221Ala)

Gene: MTR (5-methyltetrahydrofolate-homocysteine methyltransferase; plus strand). Cytogenetic location: 1q43.
Variant type: single nucleotide variant.
Coding change: c.661C>G on transcript NM_000254.3 (MANE Select); coding-DNA position 661, C replaced by G.
Protein change: p.Pro221Ala; replaces proline 221 with alanine.
Molecular consequence: missense variant. On other transcripts: 5 prime UTR variant (1).
Genome position (GRCh38, 1-based): chr1:236,815,655, C>G. VCF-style: chr1-236815655-C-G. GRCh37 (hg19) VCF-style: chr1-236978955-C-G.
Other names: c.661C>G, p.Pro221Ala (NM_001291939.1, NM_001410942.1); c.-448C>G (NM_001291940.2); short protein forms P221A.
Identifiers: ClinVar variation 2841603 (VCV002841603.3), dbSNP rs748122772, ClinGen allele CA1473815.

ClinVar aggregate classification (germline): Uncertain significance (1 of 4 stars; one submission).

Conditions:
Methylcobalamin deficiency type cblG (HMAG). Also called: HOMOCYSTINURIA-MEGALOBLASTIC ANEMIA, cblG TYPE; HOMOCYSTINURIA-MEGALOBLASTIC ANEMIA DUE TO DEFECT IN COBALAMIN METABOLISM, cblG COMPLEMENTATION TYPE; HOMOCYSTINURIA-MEGALOBLASTIC ANEMIA, cblG COMPLEMENTATION TYPE; Functional methionine synthase deficiency type cblG. Identifiers: Orphanet 2170, Orphanet 622, MedGen C1855128, MONDO:0009609, OMIM 250940.

Allele frequency attached by ClinVar (database versions not stated): gnomAD exomes below 0.00001; ExAC 0.00001.
gnomAD v4.1: 5 of 1,612,524 alleles (0.00031%); highest among the groups gnomAD compares: Non-Finnish European, 0.00042%; no homozygotes.

Submission:

Labcorp Genetics (formerly Invitae), Labcorp
Classification: Uncertain significance for Methylcobalamin deficiency type cblG. Last evaluated: 2024-10-14. Review status: criteria provided, single submitter. Criteria: Invitae Variant Classification Sherloc (09022015). Collection method: clinical testing. Allele origin: germline.
Comment: This sequence change replaces proline, which is neutral and non-polar, with alanine, which is neutral and non-polar, at codon 221 of the MTR protein (p.Pro221Ala). This variant is present in population databases (rs748122772, gnomAD 0.0009%). This variant has not been reported in the literature in individuals affected with MTR-related conditions. Invitae Evidence Modeling of protein sequence and biophysical properties (such as structural, functional, and spatial information, amino acid conservation, physicochemical variation, residue mobility, and thermodynamic stability) indicates that this missense variant is expected to disrupt MTR protein function with a positive predictive value of 95%. In summary, the available evidence is currently insufficient to determine the role of this variant in disease. Therefore, it has been classified as a Variant of Uncertain Significance.